The following is an entry in ClinVar:

ClinVar aggregate classification (germline): Uncertain significance (1 of 4 stars; one submission).

Conditions:
Neuroblastoma, susceptibility to, 3. Also called: ALK-Related Neuroblastic Tumor Susceptibility. Identifiers: Orphanet 635, MedGen C2751681, MONDO:0013083, OMIM 613014.

Submission:

Labcorp Genetics (formerly Invitae), Labcorp
Classification: Uncertain significance for Neuroblastoma, susceptibility to, 3. Last evaluated: 2022-06-30. Review status: criteria provided, single submitter. Criteria: Invitae Variant Classification Sherloc (09022015). Collection method: clinical testing. Allele origin: germline.
Comment: In summary, the available evidence is currently insufficient to determine the role of this variant in disease. Therefore, it has been classified as a Variant of Uncertain Significance. Algorithms developed to predict the effect of missense changes on protein structure and function are either unavailable or do not agree on the potential impact of this missense change (SIFT: "Deleterious"; PolyPhen-2: "Probably Damaging"; Align-GVGD: "Class C0"). This variant has not been reported in the literature in individuals affected with ALK-related conditions. This variant is not present in population databases (gnomAD no frequency). This sequence change replaces arginine, which is basic and polar, with leucine, which is neutral and non-polar, at codon 69 of the ALK protein (p.Arg69Leu).

NM_004304.5(ALK):c.206G>T (p.Arg69Leu)

Gene: ALK (ALK receptor tyrosine kinase; minus strand). Cytogenetic location: 2p23.1.
Variant type: single nucleotide variant.
Coding change: c.206G>T on transcript NM_004304.5 (MANE Select); coding-DNA position 206, G replaced by T.
Protein change: p.Arg69Leu; replaces arginine 69 with leucine.
Molecular consequence: missense variant.
Genome position (GRCh38, 1-based): chr2:29,920,454, C>A on the plus strand (G>T on the coding strand, the complement: ALK is on the minus strand). VCF-style: chr2-29920454-C-A. GRCh37 (hg19) VCF-style: chr2-30143320-C-A.
Other names: short protein forms R69L.
Identifiers: ClinVar variation 2012390 (VCV002012390.4), dbSNP rs769061878, ClinGen allele CA346590484.